The following is an entry in ClinVar:

ClinVar aggregate classification (germline): Uncertain significance. Review status: criteria provided, multiple submitters, no conflicts (2 of 4 stars). 2 submissions from 2 submitters: Uncertain significance (2). Last evaluated 2022-12-17.

gnomAD v4.1: 45 of 1,611,142 alleles (0.0028%); highest among the groups gnomAD compares: East Asian, 0.011%; no homozygotes.

Submissions (2):

Dubai Health Genomic Medicine Center, Dubai Health
Classification: Uncertain significance. Last evaluated: 2022-12-17. Review status: criteria provided, single submitter. Criteria: ACMG Guidelines, 2015. Collection method: clinical testing. Allele origin: germline. Affected: yes.

Labcorp Genetics (formerly Invitae), Labcorp
Classification: Uncertain significance. Last evaluated: 2021-08-04. Review status: criteria provided, single submitter. Criteria: Invitae Variant Classification Sherloc (09022015). Collection method: clinical testing. Allele origin: germline.
Comment: In summary, the available evidence is currently insufficient to determine the role of this variant in disease. Therefore, it has been classified as a Variant of Uncertain Significance. Algorithms developed to predict the effect of sequence changes on RNA splicing suggest that this variant may disrupt the consensus splice site. This variant has not been reported in the literature in individuals affected with MYH7B-related conditions. This variant is present in population databases (rs375392993, ExAC 0.02%). This sequence change affects a donor splice site in intron 6 of the MYH7B gene. It is expected to disrupt RNA splicing. Variants that disrupt the donor or acceptor splice site typically lead to a loss of protein function (PMID: 16199547), however the current clinical and genetic evidence is not sufficient to establish whether loss-of-function variants in MYH7B cause disease.

Literature cited by the submitters: PubMed 16199547 (cited by Labcorp Genetics (formerly Invitae), Labcorp).

NM_020884.7(MYH7B):c.198+1G>T

Gene: MYH7B (myosin heavy chain 7B; plus strand). Cytogenetic location: 20q11.22.
Variant type: single nucleotide variant.
Coding change: c.198+1G>T on transcript NM_020884.7 (MANE Select); the canonical splice donor site of the intron after coding-DNA position 198, G replaced by T.
Molecular consequence: splice donor variant.
Genome position (GRCh38, 1-based): chr20:34,979,497, G>T. VCF-style: chr20-34979497-G-T. GRCh37 (hg19) VCF-style: chr20-33567300-G-T.
Identifiers: ClinVar variation 1357391 (VCV001357391.8), dbSNP rs375392993, ClinGen allele CA9826339.